The following is an entry in ClinVar:

NM_000466.3(PEX1):c.175_176del (p.Ser59fs)

Gene: PEX1 (peroxisomal biogenesis factor 1; minus strand). Cytogenetic location: 7q21.2.
Variant type: Deletion.
Coding change: c.175_176del on transcript NM_000466.3 (MANE Select); coding-DNA positions 175 to 176, 2 bases deleted (AG; older notation c.175_176delAG).
Protein change: p.Ser59fs; shifts the reading frame from serine 59.
Molecular consequence: frameshift variant. On other transcripts: 5 prime UTR variant (1).
Genome position (GRCh38, 1-based): chr7:92,522,199-92,522,200, CT deleted on the plus strand (AG on the coding strand, the reverse complement: PEX1 is on the minus strand); deleting any 2 consecutive bases within chr7:92,522,199-92,522,201 gives the same sequence; the c. name uses the placement nearest the transcript's 3' end. VCF-style (leftmost placement, unchanged base first): chr7-92522198-GCT-G. GRCh37 (hg19) VCF-style: chr7-92151512-GCT-G.
Other names: c.175_176del, p.Ser59fs (NM_001282677.2); c.-485_-484del (NM_001282678.2); short protein forms S59fs.
Identifiers: ClinVar variation 1725832 (VCV001725832.3), dbSNP rs2484712940, ClinGen allele CA2580077859.
Genomic context (GRCh38, chr7:92,522,198, plus strand): 5'-TTGTCTGTTAATTTCAGCCACATTTTCACCTTGATCACTAAAATGCCTGCCTTCCACCCA[GCT>G]CAAGAATGCAGGCTGGTGACTCCAGACCACTTCTATAGCTTGATTCTATTCATATAAGAA-3'

ClinVar aggregate classification (germline): Likely pathogenic (1 of 4 stars; one submission).

Conditions:
Peroxisome biogenesis disorder. Identifiers: Orphanet 79189, MedGen C1832200, MONDO:0019234. Disease mechanism: loss of function.

Submission:

Myriad Genetics, Inc.
Classification: Likely pathogenic for Peroxisome biogenesis disorder. Last evaluated: 2022-04-02. Review status: criteria provided, single submitter. Criteria: Myriad Autosomal Dominant, Autosomal Recessive and X-Linked Classification Criteria (2023). Collection method: clinical testing. Allele origin: unknown.
Comment: NM_000466.2(PEX1):c.175_176delAG(S59Lfs*8) is expected to be pathogenic in the context of peroxisome biogenesis disorder type 1. This variant is predicted to lead to an abnormal or absent protein product due to the creation of a premature termination codon in PEX1, a gene where loss-of-function variants are known to be pathogenic. Please note: this variant was assessed in the context of healthy population screening.